The following is an entry in ClinVar:

ClinVar aggregate classification (germline): Uncertain significance (1 of 4 stars; one submission).

Submission:

Women's Health and Genetics/Laboratory Corporation of America, LabCorp
Classification: Uncertain significance. Last evaluated: 2025-10-09. Review status: criteria provided, single submitter. Criteria: LabCorp Variant Classification Summary - May 2015. Collection method: clinical testing. Allele origin: germline.
Comment: Variant summary: HNF4A c.79A>G (p.Asn27Asp) results in a conservative amino acid change in the encoded protein sequence. Algorithms developed to predict the effect of missense changes on protein structure and function are either unavailable or do not agree on the potential impact of this missense change. The variant was absent in 251148 control chromosomes. The available data on variant occurrences in the general population are insufficient to allow any conclusion about variant significance. To our knowledge, no occurrence of c.79A>G in individuals affected with HNF4A-related conditions and no experimental evidence demonstrating its impact on protein function have been reported. No submitters have cited clinical-significance assessments for this variant to ClinVar. Based on the evidence outlined above, the variant was classified as uncertain significance.

NM_175914.5(HNF4A):c.79A>G (p.Asn27Asp)

Gene: HNF4A (hepatocyte nuclear factor 4 alpha; plus strand). Cytogenetic location: 20q13.12.
Variant type: single nucleotide variant.
Coding change: c.79A>G on transcript NM_175914.5 (MANE Select); coding-DNA position 79, A replaced by G.
Protein change: p.Asn27Asp; replaces asparagine 27 with aspartic acid.
Molecular consequence: missense variant.
Genome position (GRCh38, 1-based): chr20:44,406,087, A>G. VCF-style: chr20-44406087-A-G. GRCh37 (hg19) VCF-style: chr20-43034727-A-G.
Other names: c.145A>G, p.Asn49Asp (NM_000457.6, NM_178849.3, NM_178850.3); c.79A>G, p.Asn27Asp (NM_001030003.3, NM_001030004.3); c.124A>G, p.Asn42Asp (NM_001258355.2); c.70A>G, p.Asn24Asp (NM_001287182.2, NM_001287183.2, NM_001287184.2); short protein forms N24D, N27D, N42D, N49D.
Identifiers: ClinVar variation 4687429 (VCV004687429.1).